The following is an entry in ClinVar:

ClinVar aggregate classification (germline): Uncertain significance. Review status: criteria provided, multiple submitters, no conflicts (2 of 4 stars). 2 submissions from 2 submitters: Uncertain significance (2). Last evaluated 2022-03-08.

Conditions:
Retinitis pigmentosa 74 (RP74). Identifiers: Orphanet 791, MedGen C4225281, MONDO:0014692, OMIM 616562.
Bardet-Biedl syndrome 2 (BBS2). Identifiers: Orphanet 110, MedGen C2936863, MONDO:0014432, OMIM 615981.
Bardet-Biedl syndrome (BBS). Identifiers: Orphanet 110, MedGen C0752166, MONDO:0015229.

gnomAD v4.1: 2 of 1,613,736 alleles (0.00012%); highest among the groups gnomAD compares: Admixed American, 0.0033%; no homozygotes.

Submissions (2):

Fulgent Genetics
Classification: Uncertain significance for Bardet-Biedl syndrome 2; Retinitis pigmentosa 74. Last evaluated: 2022-03-08. Review status: criteria provided, single submitter. Criteria: ACMG Guidelines, 2015. Collection method: clinical testing. Allele origin: unknown.

Labcorp Genetics (formerly Invitae), Labcorp
Classification: Uncertain significance for Bardet-Biedl syndrome. Last evaluated: 2022-02-03. Review status: criteria provided, single submitter. Criteria: Invitae Variant Classification Sherloc (09022015). Collection method: clinical testing. Allele origin: germline.
Comment: This sequence change replaces arginine, which is basic and polar, with leucine, which is neutral and non-polar, at codon 403 of the BBS2 protein (p.Arg403Leu). This variant is present in population databases (no rsID available, gnomAD no frequency). This variant has not been reported in the literature in individuals affected with BBS2-related conditions. Algorithms developed to predict the effect of missense changes on protein structure and function (SIFT, PolyPhen-2, Align-GVGD) all suggest that this variant is likely to be tolerated. In summary, the available evidence is currently insufficient to determine the role of this variant in disease. Therefore, it has been classified as a Variant of Uncertain Significance.

NM_031885.5(BBS2):c.1208G>T (p.Arg403Leu)

Gene: BBS2 (Bardet-Biedl syndrome 2; minus strand). Cytogenetic location: 16q13.
Variant type: single nucleotide variant.
Coding change: c.1208G>T on transcript NM_031885.5 (MANE Select); coding-DNA position 1208, G replaced by T.
Protein change: p.Arg403Leu; replaces arginine 403 with leucine.
Molecular consequence: missense variant. On other transcripts: non-coding transcript variant (5).
Genome position (GRCh38, 1-based): chr16:56,501,370, C>A on the plus strand (G>T on the coding strand, the complement: BBS2 is on the minus strand). VCF-style: chr16-56501370-C-A. GRCh37 (hg19) VCF-style: chr16-56535282-C-A.
Other names: c.1208G>T, p.Arg403Leu (NM_001377456.1); short protein forms R403L.
Identifiers: ClinVar variation 1384724 (VCV001384724.8), dbSNP rs192007013, ClinGen allele CA395979857.